The following is an entry in ClinVar:

ClinVar aggregate classification (germline): Uncertain significance (1 of 4 stars; one submission).

Submission:

Labcorp Genetics (formerly Invitae), Labcorp
Classification: Uncertain significance. Last evaluated: 2022-07-05. Review status: criteria provided, single submitter. Criteria: Invitae Variant Classification Sherloc (09022015). Collection method: clinical testing. Allele origin: germline.
Comment: Advanced modeling of protein sequence and biophysical properties (such as structural, functional, and spatial information, amino acid conservation, physicochemical variation, residue mobility, and thermodynamic stability) performed at Invitae indicates that this missense variant is expected to disrupt ABCA4 protein function. In summary, the available evidence is currently insufficient to determine the role of this variant in disease. Therefore, it has been classified as a Variant of Uncertain Significance. This variant has not been reported in the literature in individuals affected with ABCA4-related conditions. This variant is not present in population databases (gnomAD no frequency). This sequence change replaces alanine, which is neutral and non-polar, with aspartic acid, which is acidic and polar, at codon 1626 of the ABCA4 protein (p.Ala1626Asp).

NM_000350.3(ABCA4):c.4877C>A (p.Ala1626Asp)

Genes: ABCA4 (ATP binding cassette subfamily A member 4; minus strand), LOC126805793 (CDK7 strongly-dependent group 2 enhancer GRCh37_chr1:94486302-94487501; plus strand). Cytogenetic location: 1p22.1.
Variant type: single nucleotide variant.
Coding change: c.4877C>A on transcript NM_000350.3 (MANE Select); coding-DNA position 4877, C replaced by A.
Protein change: p.Ala1626Asp; replaces alanine 1626 with aspartic acid.
Molecular consequence: missense variant.
Genome position (GRCh38, 1-based): chr1:94,021,381, G>T on the plus strand (C>A on the coding strand, the complement: ABCA4 is on the minus strand). VCF-style: chr1-94021381-G-T. GRCh37 (hg19) VCF-style: chr1-94486937-G-T.
Other names: c.4655C>A, p.Ala1552Asp (NM_001425324.1); short protein forms A1626D, A1552D.
Identifiers: ClinVar variation 2014224 (VCV002014224.4), dbSNP rs761852336, ClinGen allele CA341283180.